The following is an entry in ClinVar:

ClinVar aggregate classification (germline): Uncertain significance (1 of 4 stars; one submission).

Conditions:
Cardiovascular phenotype. Identifiers: MedGen CN230736.

Submission:

Ambry Genetics
Classification: Uncertain significance for Cardiovascular phenotype. Last evaluated: 2026-06-14. Review status: criteria provided, single submitter. Criteria: Ambry Variant Classification Scheme 2023. Collection method: clinical testing. Allele origin: germline.
Comment: The p.V352M variant (also known as c.1054G>A), located in coding exon 9 of the PTPN11 gene, results from a G to A substitution at nucleotide position 1054. The valine at codon 352 is replaced by methionine, an amino acid with highly similar properties. This amino acid position is conserved. In addition, this alteration is predicted to be deleterious by in silico analysis. Based on the available evidence, the clinical significance of this variant remains unclear.

NM_002834.5(PTPN11):c.1054G>A (p.Val352Met)

Gene: PTPN11 (protein tyrosine phosphatase non-receptor type 11; plus strand). Cytogenetic location: 12q24.13.
Variant type: single nucleotide variant.
Coding change: c.1054G>A on transcript NM_002834.5 (MANE Select); coding-DNA position 1054, G replaced by A.
Protein change: p.Val352Met; replaces valine 352 with methionine.
Molecular consequence: missense variant.
Genome position (GRCh38, 1-based): chr12:112,477,977, G>A. VCF-style: chr12-112477977-G-A. GRCh37 (hg19) VCF-style: chr12-112915781-G-A.
Other names: c.1054G>A, p.Val352Met (NM_001330437.2, NM_080601.3); c.1051G>A, p.Val351Met (NM_001374625.1); short protein forms V351M, V352M.
Identifiers: ClinVar variation 4862778 (VCV004862778.1).